The following is an entry in ClinVar:

NM_001244008.2(KIF1A):c.4795G>T (p.Gly1599Trp)

Gene: KIF1A (kinesin family member 1A; minus strand). Cytogenetic location: 2q37.3.
Variant type: single nucleotide variant.
Coding change: c.4795G>T on transcript NM_001244008.2 (MANE Select); coding-DNA position 4795, G replaced by T.
Protein change: p.Gly1599Trp; replaces glycine 1599 with tryptophan.
Molecular consequence: missense variant.
Genome position (GRCh38, 1-based): chr2:240,720,987, C>A on the plus strand (G>T on the coding strand, the complement: KIF1A is on the minus strand). VCF-style: chr2-240720987-C-A. GRCh37 (hg19) VCF-style: chr2-241660404-C-A.
Other names: c.4519G>T, p.Gly1507Trp (NM_001320705.2, NM_001379649.1); c.4546G>T, p.Gly1516Trp (NM_001330289.2); c.4594G>T, p.Gly1532Trp (NM_001330290.2, NM_001379648.1); c.4870G>T, p.Gly1624Trp (NM_001379631.1); c.4771G>T, p.Gly1591Trp (NM_001379632.1); c.4768G>T, p.Gly1590Trp (NM_001379633.1, NM_001379645.1); c.4621G>T, p.Gly1541Trp (NM_001379634.1); c.4618G>T, p.Gly1540Trp (NM_001379635.1, NM_001379646.1); and 7 more; short protein forms G1497W, G1498W, G1506W, G1507W, G1515W, G1516W, G1523W, G1532W.
Identifiers: ClinVar variation 3763777 (VCV003763777.2).

ClinVar aggregate classification (germline): Uncertain significance (1 of 4 stars; one submission).

Conditions:
Neuropathy, hereditary sensory, type 2C. Also called: KIF1A-Related HSAN2 (HSAN2C); Hereditary sensory and autonomic neuropathy type IIC. Identifiers: Orphanet 970, MedGen C3280168, MONDO:0013634, OMIM 614213.
Hereditary spastic paraplegia 30. Identifiers: Orphanet 101010, MedGen C5235139, MONDO:0012476.
Intellectual disability, autosomal dominant 9 (NESCAVS). Also called: KIF1A-Related Neurodevelopmental Disorder; NESCAV SYNDROME. Identifiers: Orphanet 662367, MedGen C5393830, MONDO:0013656, OMIM 614255.

Submission:

Labcorp Genetics (formerly Invitae), Labcorp
Classification: Uncertain significance for Hereditary spastic paraplegia 30; Neuropathy, hereditary sensory, type 2C; Intellectual disability, autosomal dominant 9. Last evaluated: 2024-03-27. Review status: criteria provided, single submitter. Criteria: Invitae Variant Classification Sherloc (09022015). Collection method: clinical testing. Allele origin: germline.
Comment: This sequence change replaces glycine, which is neutral and non-polar, with tryptophan, which is neutral and slightly polar, at codon 1498 of the KIF1A protein (p.Gly1498Trp). This variant is not present in population databases (gnomAD no frequency). This variant has not been reported in the literature in individuals affected with KIF1A-related conditions. Advanced modeling of protein sequence and biophysical properties (such as structural, functional, and spatial information, amino acid conservation, physicochemical variation, residue mobility, and thermodynamic stability) performed at Invitae indicates that this missense variant is not expected to disrupt KIF1A protein function with a negative predictive value of 95%. In summary, the available evidence is currently insufficient to determine the role of this variant in disease. Therefore, it has been classified as a Variant of Uncertain Significance.